The following is an entry in ClinVar:

NM_201384.3(PLEC):c.6875G>A (p.Arg2292Gln)

Gene: PLEC (plectin; minus strand). Cytogenetic location: 8q24.3.
Variant type: single nucleotide variant.
Coding change: c.6875G>A on transcript NM_201384.3 (MANE Select); coding-DNA position 6875, G replaced by A.
Protein change: p.Arg2292Gln; replaces arginine 2292 with glutamine.
Molecular consequence: missense variant.
Genome position (GRCh38, 1-based): chr8:143,923,054, C>T on the plus strand (G>A on the coding strand, the complement: PLEC is on the minus strand). VCF-style: chr8-143923054-C-T. GRCh37 (hg19) VCF-style: chr8-144997222-C-T.
Other names: c.6956G>A (NM_000445.4); c.6956G>A, p.Arg2319Gln (NM_000445.5); c.6833G>A, p.Arg2278Gln (NM_201378.4); c.6809G>A, p.Arg2270Gln (NM_201379.3); c.7286G>A, p.Arg2429Gln (NM_201380.4); c.6779G>A, p.Arg2260Gln (NM_201381.3); c.6875G>A, p.Arg2292Gln (NM_201382.4); c.6887G>A, p.Arg2296Gln (NM_201383.3); short protein forms R2292Q, R2429Q, R2278Q, R2260Q, R2270Q, R2296Q, R2319Q.
Identifiers: ClinVar variation 805215 (VCV000805215.8), dbSNP rs782779625, ClinGen allele CA4925820.
Genomic context (GRCh38, chr8:143,923,054, plus strand): 5'-AGCATCTTCTCTGCCAAGGCCCGCTGCTGTGCCAGGTCCTCCTCTGCCAGCTGCCGCAGT[C>T]GCGCAGCCTCTTGGGCCGCCACACTCAGCCGCGCGGCCTCCTCCGCCACCTGCTTCATCT-3'
Protein context (NP_958786.1, residues 2282-2302): RLSVAAQEAA[Arg2292Gln]LRQLAEEDLA

ClinVar aggregate classification (germline): Uncertain significance. Review status: criteria provided, multiple submitters, no conflicts (2 of 4 stars). 4 submissions from 4 submitters: Uncertain significance (4). Last evaluated 2026-02-10.

Conditions:
PLEC-related disorder. Also called: PLEC-related condition; PLEC-related disorders.
Epidermolysis bullosa simplex 5C, with pyloric atresia (EBS5C). Also called: PLEC-Related Epidermolysis Bullosa with Pyloric Atresia; Epidermolysis bullosa simplex with pyloric atresia; PLEC1-Related Epidermolysis Bullosa with Pyloric Atresia. Identifiers: Orphanet 158684, MedGen C2677349, MONDO:0012807, OMIM 612138.
Epidermolysis bullosa simplex 5B, with muscular dystrophy (EBS5B). Also called: EPIDERMOLYSIS BULLOSA SIMPLEX AND LIMB-GIRDLE MUSCULAR DYSTROPHY; Epidermolysis bullosa simplex with muscular dystrophy. Identifiers: Orphanet 257, MedGen C2931072, MONDO:0009181, OMIM 226670.
Epidermolysis bullosa simplex with nail dystrophy (EBS5D). Identifiers: MedGen C4225309, MONDO:0014661, OMIM 616487.
Epidermolysis bullosa simplex, Ogna type (EBS5A). Also called: Pidermolysis bullosa simplex 5A, Ogna type; EPIDERMOLYSIS BULLOSA SIMPLEX 5A, OGNA TYPE. Identifiers: Orphanet 79401, MedGen C0432317, MONDO:0007555, OMIM 131950.
Autosomal recessive limb-girdle muscular dystrophy type 2Q (LGMDR17). Also called: MUSCULAR DYSTROPHY, LIMB-GIRDLE, AUTOSOMAL RECESSIVE 17. Identifiers: Orphanet 254361, MedGen C3150989, MONDO:0013390, OMIM 613723.

Allele frequency attached by ClinVar (database versions not stated): TOPMed 0.00001; gnomAD 0.00002; gnomAD exomes 0.00002 and 0.00003; ExAC 0.00003.
gnomAD v4.1: 31 of 1,610,416 alleles (0.0019%); highest among the groups gnomAD compares: East Asian, 0.0045%; no homozygotes.

Submissions (4):

PreventionGenetics, part of Exact Sciences
Classification: Uncertain significance for PLEC-related condition. Last evaluated: 2026-02-10. Review status: criteria provided, single submitter. Criteria: ACMG Guidelines, 2015. Collection method: clinical testing. Allele origin: germline.
Comment: The PLEC c.6956G>A variant is predicted to result in the amino acid substitution p.Arg2319Gln. To our knowledge, this variant has not been reported in the literature. This variant is reported in 0.013% of alleles in individuals of South Asian descent in gnomAD. At this time, the clinical significance of this variant is uncertain due to the absence of conclusive functional and genetic evidence.

Labcorp Genetics (formerly Invitae), Labcorp
Classification: Uncertain significance for Autosomal recessive limb-girdle muscular dystrophy type 2Q; Epidermolysis bullosa simplex, Ogna type; Epidermolysis bullosa simplex with nail dystrophy; Epidermolysis bullosa simplex 5C, with pyloric atresia; Epidermolysis bullosa simplex 5B, with muscular dystrophy. Last evaluated: 2024-04-03. Review status: criteria provided, single submitter. Criteria: Invitae Variant Classification Sherloc (09022015). Collection method: clinical testing. Allele origin: germline.
Comment: This sequence change replaces arginine, which is basic and polar, with glutamine, which is neutral and polar, at codon 2319 of the PLEC protein (p.Arg2319Gln). This variant is present in population databases (rs782779625, gnomAD 0.01%). This variant has not been reported in the literature in individuals affected with PLEC-related conditions. ClinVar contains an entry for this variant (Variation ID: 805215). Advanced modeling of protein sequence and biophysical properties (such as structural, functional, and spatial information, amino acid conservation, physicochemical variation, residue mobility, and thermodynamic stability) performed at Invitae indicates that this missense variant is not expected to disrupt PLEC protein function with a negative predictive value of 80%. In summary, the available evidence is currently insufficient to determine the role of this variant in disease. Therefore, it has been classified as a Variant of Uncertain Significance.

Revvity Omics, Revvity
Classification: Uncertain significance. Last evaluated: 2023-12-17. Review status: criteria provided, single submitter. Criteria: ACMG Guidelines, 2015. Collection method: clinical testing. Allele origin: germline.

Athena Diagnostics
Classification: Uncertain significance. Last evaluated: 2018-11-21. Review status: criteria provided, single submitter. Criteria: Athena Diagnostics Criteria. Collection method: clinical testing. Allele origin: germline.